The following is an entry in ClinVar:

ClinVar aggregate classification (germline): Uncertain significance (1 of 4 stars; one submission).

Conditions:
Gaucher disease type I (GD1). Also called: Type 1 Gaucher Disease; ACID BETA-GLUCOSIDASE DEFICIENCY; GAUCHER DISEASE, NONCEREBRAL JUVENILE; GBA DEFICIENCY; GD I; GLUCOCEREBROSIDASE DEFICIENCY. Identifiers: Orphanet 355, Orphanet 77259, MedGen C1961835, MONDO:0009265, OMIM 230800.
Gaucher disease type II (GD2). Also called: Type 2 Gaucher disease (Acute; Infantile); GAUCHER DISEASE, ACUTE NEURONOPATHIC TYPE; GD II; Acute neuronopathic Gaucher's disease. Identifiers: Orphanet 77260, MedGen C0268250, MONDO:0009266, OMIM 230900.
Gaucher disease type III. Also called: Type 3 Gaucher disease (Subacute; Juvenile); GAUCHER DISEASE, CHRONIC NEURONOPATHIC TYPE; GAUCHER DISEASE, JUVENILE AND ADULT, CEREBRAL; GAUCHER DISEASE, SUBACUTE NEURONOPATHIC TYPE; GD III; Subacute neuronopathic Gaucher's disease. Identifiers: Orphanet 355, Orphanet 77261, MedGen C0268251, MONDO:0009267, OMIM 231000.
Gaucher disease-ophthalmoplegia-cardiovascular calcification syndrome. Also called: GAUCHER DISEASE, TYPE IIIC. Identifiers: Orphanet 2072, MedGen C1856476, MONDO:0009268, OMIM 231005.
Lewy body dementia (DLB). Also called: Lewy Body Disease. Identifiers: MedGen C0752347, MONDO:0007488, OMIM 127750.
Gaucher disease perinatal lethal. Also called: Gaucher disease collodion type; Gaucher Disease, Perinatal-Lethal Form. Identifiers: Orphanet 85212, MedGen C1842704, MONDO:0011945, OMIM 608013.
Parkinson disease, late-onset (PD). Also called: PARKINSON DISEASE, LATE-ONSET, SUSCEPTIBILITY TO; Susceptibility to Parkinson's Disease; Hereditary late onset Parkinson disease. Identifiers: Orphanet 411602, MedGen C3160718, MONDO:0008199, OMIM 168600.

Submission:

Juno Genomics, Hangzhou Juno Genomics, Inc
Classification: Uncertain significance for Lewy body dementia; Parkinson disease, late-onset; Gaucher disease perinatal lethal; Gaucher disease type I; Gaucher disease type II; Gaucher disease type III; Gaucher disease-ophthalmoplegia-cardiovascular calcification syndrome. Review status: criteria provided, single submitter. Criteria: ACMG Guidelines, 2015. Collection method: clinical testing. Allele origin: germline.
Comment: Absent from controls (or at extremely low frequency if recessive) in Genome Aggregation Database.;Multiple lines of computational evidence support a deleterious effect on the gene or gene product.

NM_000157.4(GBA1):c.124C>G (p.Pro42Ala)

Genes: GBA1 (glucosylceramidase beta 1; minus strand), LOC106627981 (GBA recombination region; plus strand). Cytogenetic location: 1q22.
Variant type: single nucleotide variant.
Coding change: c.124C>G on transcript NM_000157.4 (MANE Select); coding-DNA position 124, C replaced by G.
Protein change: p.Pro42Ala; replaces proline 42 with alanine.
Molecular consequence: missense variant. On other transcripts: 5 prime UTR variant (1).
Genome position (GRCh38, 1-based): chr1:155,240,069, G>C on the plus strand (C>G on the coding strand, the complement: GBA1 is on the minus strand). VCF-style: chr1-155240069-G-C. GRCh37 (hg19) VCF-style: chr1-155209860-G-C.
Other names: c.124C>G, p.Pro42Ala (NM_001005741.3, NM_001005742.3, NM_001171812.2); c.-138C>G (NM_001171811.2); short protein forms P42A.
Identifiers: ClinVar variation 5037984 (VCV005037984.2).